The following is an entry in ClinVar:

NM_001378457.1(DMXL2):c.4243G>T (p.Asp1415Tyr)

Gene: DMXL2 (Dmx like 2; minus strand). Cytogenetic location: 15q21.2.
Variant type: single nucleotide variant.
Coding change: c.4243G>T on transcript NM_001378457.1 (MANE Select); coding-DNA position 4243, G replaced by T.
Protein change: p.Asp1415Tyr; replaces aspartic acid 1415 with tyrosine.
Molecular consequence: missense variant. On other transcripts: non-coding transcript variant (2), intron variant (2).
Genome position (GRCh38, 1-based): chr15:51,498,981, C>A on the plus strand (G>T on the coding strand, the complement: DMXL2 is on the minus strand). VCF-style: chr15-51498981-C-A. GRCh37 (hg19) VCF-style: chr15-51791178-C-A.
Other names: c.4243G>T, p.Asp1415Tyr (NM_001174116.3, NM_001378458.1, NM_001378459.1 and 4 more transcripts); c.4003G>T, p.Asp1335Tyr (NM_001378464.1); c.2765-7234G>T (NM_001378460.1); c.2765-3847G>T (NM_001174117.3); short protein forms D1335Y, D1415Y.
Identifiers: ClinVar variation 1496191 (VCV001496191.8), dbSNP rs370151145, ClinGen allele CA392432340.

ClinVar aggregate classification (germline): Uncertain significance (1 of 4 stars; one submission).

Submission:

Labcorp Genetics (formerly Invitae), Labcorp
Classification: Uncertain significance. Last evaluated: 2024-10-16. Review status: criteria provided, single submitter. Criteria: Invitae Variant Classification Sherloc (09022015). Collection method: clinical testing. Allele origin: germline.
Comment: This sequence change replaces aspartic acid, which is acidic and polar, with tyrosine, which is neutral and polar, at codon 1415 of the DMXL2 protein (p.Asp1415Tyr). This variant is not present in population databases (gnomAD no frequency). This variant has not been reported in the literature in individuals affected with DMXL2-related conditions. ClinVar contains an entry for this variant (Variation ID: 1496191). An algorithm developed to predict the effect of missense changes on protein structure and function (PolyPhen-2) suggests that this variant is likely to be disruptive. In summary, the available evidence is currently insufficient to determine the role of this variant in disease. Therefore, it has been classified as a Variant of Uncertain Significance.